The following is an entry in ClinVar:

ClinVar aggregate classification (germline): Uncertain significance. Review status: criteria provided, multiple submitters, no conflicts (2 of 4 stars). 4 submissions from 4 submitters: Uncertain significance (4). Last evaluated 2025-02-13.

Conditions:
Hereditary cancer-predisposing syndrome. Also called: Tumor predisposition; Hereditary neoplastic syndrome; Neoplastic Syndromes, Hereditary; Hereditary Cancer Syndrome. Identifiers: Orphanet 140162, MedGen C0027672, MeSH D009386, MONDO:0015356.
Ataxia-telangiectasia syndrome (AT). Also called: LOUIS-BAR SYNDROME; Cerebello-oculocutaneous telangiectasia; Immunodeficiency with ataxia telangiectasia; Ataxia-telangiectasia, complementation group D; AT, COMPLEMENTATION GROUP C; ATAXIA-TELANGIECTASIA, COMPLEMENTATION GROUP A. Identifiers: Orphanet 100, MedGen C0004135, MONDO:0008840, OMIM 208900.
Familial cancer of breast. Also called: hereditary breast carcinoma; BREAST CANCER, FAMILIAL; Hereditary breast cancer. Identifiers: Orphanet 227535, MedGen C0346153, MONDO:0016419, OMIM 114480. Disease mechanism: loss of function.

Submissions (4):

Labcorp Genetics (formerly Invitae), Labcorp
Classification: Uncertain significance for Ataxia-telangiectasia syndrome. Last evaluated: 2025-02-13. Review status: criteria provided, single submitter. Criteria: Invitae Variant Classification Sherloc (09022015). Collection method: clinical testing. Allele origin: germline.
Comment: This sequence change replaces valine, which is neutral and non-polar, with phenylalanine, which is neutral and non-polar, at codon 551 of the ATM protein (p.Val551Phe). This variant is not present in population databases (gnomAD no frequency). This variant has not been reported in the literature in individuals affected with ATM-related conditions. ClinVar contains an entry for this variant (Variation ID: 495386). Invitae Evidence Modeling of protein sequence and biophysical properties (such as structural, functional, and spatial information, amino acid conservation, physicochemical variation, residue mobility, and thermodynamic stability) indicates that this missense variant is not expected to disrupt ATM protein function with a negative predictive value of 95%. In summary, the available evidence is currently insufficient to determine the role of this variant in disease. Therefore, it has been classified as a Variant of Uncertain Significance.

Ambry Genetics
Classification: Uncertain significance for Hereditary cancer-predisposing syndrome. Last evaluated: 2024-02-13. Review status: criteria provided, single submitter. Criteria: Ambry Variant Classification Scheme 2023. Collection method: clinical testing. Allele origin: germline.
Comment: The p.V551F variant (also known as c.1651G>T), located in coding exon 10 of the ATM gene, results from a G to T substitution at nucleotide position 1651. The valine at codon 551 is replaced by phenylalanine, an amino acid with highly similar properties. This amino acid position is not well conserved in available vertebrate species. In addition, this alteration is predicted to be tolerated by in silico analysis. Since supporting evidence is limited at this time, the clinical significance of this alteration remains unclear.

Baylor Genetics
Classification: Uncertain significance for Familial cancer of breast. Last evaluated: 2023-05-22. Review status: criteria provided, single submitter. Criteria: ACMG Guidelines, 2015. Collection method: clinical testing. Allele origin: unknown.

Women's Health and Genetics/Laboratory Corporation of America, LabCorp
Classification: Uncertain significance. Last evaluated: 2017-01-03. Review status: criteria provided, single submitter. Criteria: LabCorp Variant Classification Summary - May 2015. Collection method: clinical testing. Allele origin: germline.
Comment: Variant summary: The ATM c.1651G>T (p.Val551Phe) variant involves the alteration of a non-conserved nucleotide. 2/4 in silico tools predict a benign outcome for this variant (SNPs&GO not captured due to low reliability index). This variant is absent in 121354 control chromosomes. The variant of interest has not, to our knowledge, been reported in affected individuals via publications and/or reputable databases/clinical diagnostic laboratories; nor evaluated for functional impact by in vivo/vitro studies. Because of the absence of clinical information and the lack of functional studies, the variant is classified as a variant of uncertain significance (VUS) until additional information becomes available.

NM_000051.4(ATM):c.1651G>T (p.Val551Phe)

Gene: ATM (ATM serine/threonine kinase; plus strand). Cytogenetic location: 11q22.3.
Variant type: single nucleotide variant.
Coding change: c.1651G>T on transcript NM_000051.4 (MANE Select); coding-DNA position 1651, G replaced by T.
Protein change: p.Val551Phe; replaces valine 551 with phenylalanine.
Molecular consequence: missense variant.
Genome position (GRCh38, 1-based): chr11:108,251,880, G>T. VCF-style: chr11-108251880-G-T. GRCh37 (hg19) VCF-style: chr11-108122607-G-T.
Other names: c.1651G>T, p.Val551Phe (NM_001351834.2); short protein forms V551F.
Identifiers: ClinVar variation 495386 (VCV000495386.11), dbSNP rs1555071742, ClinGen allele CA382534551.